The following is an entry in ClinVar:

ClinVar aggregate classification (germline): Uncertain significance (1 of 4 stars; one submission).

Submission:

GeneDx
Classification: Uncertain significance. Last evaluated: 2020-12-23. Review status: criteria provided, single submitter. Criteria: GeneDx Variant Classification Process June 2021. Collection method: clinical testing. Allele origin: germline. Affected: yes.
Comment: Not observed in large population cohorts (Lek et al., 2016); In silico analysis supports that this missense variant has a deleterious effect on protein structure/function; Has not been previously published as pathogenic or benign to our knowledge

NM_000051.4(ATM):c.2807T>C (p.Leu936Pro)

Gene: ATM (ATM serine/threonine kinase; plus strand). Cytogenetic location: 11q22.3.
Variant type: single nucleotide variant.
Coding change: c.2807T>C on transcript NM_000051.4 (MANE Select); coding-DNA position 2807, T replaced by C.
Protein change: p.Leu936Pro; replaces leucine 936 with proline.
Molecular consequence: missense variant.
Genome position (GRCh38, 1-based): chr11:108,268,578, T>C. VCF-style: chr11-108268578-T-C. GRCh37 (hg19) VCF-style: chr11-108139305-T-C.
Other names: c.2807T>C, p.Leu936Pro (NM_001351834.2); short protein forms L936P.
Identifiers: ClinVar variation 1313770 (VCV001313770.2), dbSNP rs2135526773, ClinGen allele CA382545699.